The following is an entry in ClinVar:

ClinVar aggregate classification (germline): Uncertain significance (1 of 4 stars; one submission).

Conditions:
Mucopolysaccharidosis type 6 (MPS6). Also called: ARSB DEFICIENCY; MPS VI; N-ACETYLGALACTOSAMINE-4-SULFATASE DEFICIENCY; ARYLSULFATASE B DEFICIENCY; MPS 6; Maroteaux Lamy syndrome. Identifiers: Orphanet 583, MedGen C0026709, MONDO:0009661, OMIM 253200.

Submission:

Labcorp Genetics (formerly Invitae), Labcorp
Classification: Uncertain significance for Mucopolysaccharidosis type 6. Last evaluated: 2021-04-11. Review status: criteria provided, single submitter. Criteria: Invitae Variant Classification Sherloc (09022015). Collection method: clinical testing. Allele origin: germline.
Comment: This sequence change replaces arginine with glycine at codon 16 of the ARSB protein (p.Arg16Gly). The arginine residue is weakly conserved and there is a moderate physicochemical difference between arginine and glycine. The frequency data for this variant in the population databases is considered unreliable, as metrics indicate insufficient coverage at this position in the ExAC database. This variant has not been reported in the literature in individuals with ARSB-related conditions. In summary, the available evidence is currently insufficient to determine the role of this variant in disease. Therefore, it has been classified as a Variant of Uncertain Significance.

NM_000046.5(ARSB):c.46C>G (p.Arg16Gly)

Genes: ARSB (arylsulfatase B; minus strand), LOC129994126 (ATAC-STARR-seq lymphoblastoid silent region 16127; plus strand). Cytogenetic location: 5q14.1.
Variant type: single nucleotide variant.
Coding change: c.46C>G on transcript NM_000046.5 (MANE Select); coding-DNA position 46, C replaced by G.
Protein change: p.Arg16Gly; replaces arginine 16 with glycine.
Molecular consequence: missense variant.
Genome position (GRCh38, 1-based): chr5:78,985,203, G>C on the plus strand (C>G on the coding strand, the complement: ARSB is on the minus strand). VCF-style: chr5-78985203-G-C. GRCh37 (hg19) VCF-style: chr5-78281026-G-C.
Other names: c.46C>G, p.Arg16Gly (NM_198709.3); short protein forms R16G.
Identifiers: ClinVar variation 2147897 (VCV002147897.1), dbSNP rs2530672416, ClinGen allele CA360197228.
Genomic context (GRCh38, chr5:78,985,203, plus strand): 5'-CCGGCGGCGCCAACAACAGCAGCAGCAGCAGCGGGAGGACGACGGGGAGGAGCAGCCGCC[G>C]AGGTCCGGGGCCTCGGGGCAAGCTCGCCGCGCCGCGCGGACCCATCCTTGTCCGCCCGCG-3'
Protein context (NP_000037.2, residues 6-26): AASLPRGPGP[Arg16Gly]RLLLPVVLPL